The following is an entry in ClinVar:

NM_000136.3(FANCC):c.1072+20G>A

Genes: AOPEP (aminopeptidase O (putative); plus strand), FANCC (FA complementation group C; minus strand). Cytogenetic location: 9q22.32.
Variant type: single nucleotide variant.
Coding change: c.1072+20G>A on transcript NM_000136.3 (MANE Select); 20 bases into the intron after coding-DNA position 1072, G replaced by A.
Molecular consequence: intron variant.
Genome position (GRCh38, 1-based): chr9:95,117,295, C>T on the plus strand (G>A on the coding strand, the complement: FANCC is on the minus strand). VCF-style: chr9-95117295-C-T. GRCh37 (hg19) VCF-style: chr9-97879577-C-T.
Other names: c.1072+20G>A (NM_001243743.2, NM_001243744.2).
Identifiers: ClinVar variation 516060 (VCV000516060.4), dbSNP rs773767586, ClinGen allele CA5137477.

ClinVar aggregate classification (germline): Likely benign. Review status: criteria provided, multiple submitters, no conflicts (2 of 4 stars). 2 submissions from 2 submitters: Likely benign (2). Last evaluated 2023-10-27.

Conditions:
Fanconi anemia (FA). Also called: Fanconi's anemia. Identifiers: Orphanet 84, MedGen C0015625, MeSH D005199, MONDO:0019391.

Allele frequency attached by ClinVar (database versions not stated): gnomAD exomes below 0.00001; TOPMed below 0.00001; ExAC 0.00001.
gnomAD v4.1: 7 of 1,611,982 alleles (0.00043%); highest among the groups gnomAD compares: Non-Finnish European, 0.00051%; no homozygotes.

Submissions (2):

Labcorp Genetics (formerly Invitae), Labcorp
Classification: Likely benign for Fanconi anemia. Last evaluated: 2023-10-27. Review status: criteria provided, single submitter. Criteria: Invitae Variant Classification Sherloc (09022015). Collection method: clinical testing. Allele origin: germline.

GeneDx
Classification: Likely benign. Last evaluated: 2017-10-09. Review status: criteria provided, single submitter. Criteria: GeneDx Variant Classification (06012015). Collection method: clinical testing. Allele origin: germline. Affected: yes.
Comment: This variant is considered likely benign or benign based on one or more of the following criteria: it is a conservative change, it occurs at a poorly conserved position in the protein, it is predicted to be benign by multiple in silico algorithms, and/or has population frequency not consistent with disease.